The following is an entry in ClinVar:

NM_000593.6(TAP1):c.508G>A (p.Gly170Arg)

Gene: TAP1 (transporter 1, ATP binding cassette subfamily B member; minus strand). Cytogenetic location: 6p21.32.
Variant type: single nucleotide variant.
Coding change: c.508G>A on transcript NM_000593.6 (MANE Select); coding-DNA position 508, G replaced by A.
Protein change: p.Gly170Arg; replaces glycine 170 with arginine.
Molecular consequence: missense variant.
Genome position (GRCh38, 1-based): chr6:32,853,129, C>T on the plus strand (G>A on the coding strand, the complement: TAP1 is on the minus strand). VCF-style: chr6-32853129-C-T. GRCh37 (hg19) VCF-style: chr6-32820906-C-T.
Other names: short protein forms G170R.
Identifiers: ClinVar variation 1715134 (VCV001715134.5), dbSNP rs2483183393, ClinGen allele CA363582106.
Genomic context (GRCh38, chr6:32,853,129, plus strand): 5'-ACAGCGAGAGGCGGCGCGTCTCCGAGCCCAGGCAGCCTAGAAGCCGACGCACAGGGTTTC[C>T]AGAGCCGCCCTGACCGCCGGGCACCCAGAGGCTCCCGAGTTTGTGCCACAGGGCTGCTGC-3'
Protein context (NP_000584.3, residues 160-180): LWVPGGQGGS[Gly170Arg]NPVRRLLGCL

ClinVar aggregate classification (germline): Uncertain significance (1 of 4 stars; one submission).

Conditions:
MHC class I deficiency. Identifiers: Orphanet 34592, MedGen C6024714, MONDO:0011476.

Submission:

Labcorp Genetics (formerly Invitae), Labcorp
Classification: Uncertain significance for MHC class I deficiency 1. Last evaluated: 2022-08-05. Review status: criteria provided, single submitter. Criteria: Invitae Variant Classification Sherloc (09022015). Collection method: clinical testing. Allele origin: germline.
Comment: In summary, the available evidence is currently insufficient to determine the role of this variant in disease. Therefore, it has been classified as a Variant of Uncertain Significance. Algorithms developed to predict the effect of missense changes on protein structure and function are either unavailable or do not agree on the potential impact of this missense change (SIFT: "Deleterious"; PolyPhen-2: "Benign"; Align-GVGD: "Class C0"). This variant has not been reported in the literature in individuals affected with TAP1-related conditions. This variant is not present in population databases (gnomAD no frequency). This sequence change replaces glycine, which is neutral and non-polar, with arginine, which is basic and polar, at codon 230 of the TAP1 protein (p.Gly230Arg).